The following is an entry in ClinVar:

ClinVar aggregate classification (germline): Uncertain significance (1 of 4 stars; one submission).

Conditions:
Intellectual disability, autosomal recessive 42 (NEDDSBA). Also called: Neurodevelopmental disorder with dysmorphic features, spasticity, and brain abnormalities; GLYCOSYLPHOSPHATIDYLINOSITOL BIOSYNTHESIS DEFECT 9. Identifiers: Orphanet 88616, MedGen C4014343, MONDO:0014348, OMIM 615802.

Allele frequency attached by ClinVar (database versions not stated): gnomAD exomes below 0.00001; gnomAD 0.00001; TOPMed 0.00002.
gnomAD v4.1: 3 of 1,614,086 alleles (0.00019%); highest among the groups gnomAD compares: Admixed American, 0.005%; no homozygotes.

Submission:

Labcorp Genetics (formerly Invitae), Labcorp
Classification: Uncertain significance for Intellectual disability, autosomal recessive 42. Last evaluated: 2023-12-11. Review status: criteria provided, single submitter. Criteria: Invitae Variant Classification Sherloc (09022015). Collection method: clinical testing. Allele origin: germline.
Comment: This sequence change replaces valine, which is neutral and non-polar, with isoleucine, which is neutral and non-polar, at codon 18 of the PGAP1 protein (p.Val18Ile). This variant is present in population databases (no rsID available, gnomAD 0.003%). This variant has not been reported in the literature in individuals affected with PGAP1-related conditions. Advanced modeling of protein sequence and biophysical properties (such as structural, functional, and spatial information, amino acid conservation, physicochemical variation, residue mobility, and thermodynamic stability) performed at Invitae indicates that this missense variant is not expected to disrupt PGAP1 protein function with a negative predictive value of 80%. In summary, the available evidence is currently insufficient to determine the role of this variant in disease. Therefore, it has been classified as a Variant of Uncertain Significance.

NM_024989.4(PGAP1):c.52G>A (p.Val18Ile)

Gene: PGAP1 (post-GPI attachment to proteins inositol deacylase 1; minus strand). Cytogenetic location: 2q33.1.
Variant type: single nucleotide variant.
Coding change: c.52G>A on transcript NM_024989.4 (MANE Select); coding-DNA position 52, G replaced by A.
Protein change: p.Val18Ile; replaces valine 18 with isoleucine.
Molecular consequence: missense variant. On other transcripts: 5 prime UTR variant (2).
Genome position (GRCh38, 1-based): chr2:196,926,565, C>T on the plus strand (G>A on the coding strand, the complement: PGAP1 is on the minus strand). VCF-style: chr2-196926565-C-T. GRCh37 (hg19) VCF-style: chr2-197791289-C-T.
Other names: c.-555G>A (NM_001321099.2); c.-1060G>A (NM_001321100.2); short protein forms V18I.
Identifiers: ClinVar variation 2909290 (VCV002909290.1), dbSNP rs1388106888, ClinGen allele CA350182247.